The following is an entry in ClinVar:

ClinVar aggregate classification (germline): Likely benign (1 of 4 stars; one submission).

Allele frequency attached by ClinVar (database versions not stated): 1000 Genomes Project 30x 0.00047; 1000 Genomes Project 0.00060; TOPMed 0.00086; gnomAD 0.00098; ESP Exome Variant Server 0.00100; gnomAD exomes 0.00115; ExAC 0.00120.
gnomAD v4.1: 1,825 of 1,613,944 alleles (0.11%); highest among the groups gnomAD compares: Non-Finnish European, 0.13%; 3 homozygotes.

Submission:

CeGaT Center for Human Genetics Tuebingen
Classification: Likely benign. Last evaluated: 2022-05-01. Review status: criteria provided, single submitter. Criteria: CeGaT Center For Human Genetics Tuebingen Variant Classification Criteria Version 2. Collection method: clinical testing. Allele origin: germline. Affected: yes. Observed: 1 variant allele.
Comment: GOLGB1: BP4, BP7

NM_001366282.2(GOLGB1):c.8379C>T (p.Thr2793=)

Gene: GOLGB1 (golgin B1; minus strand). Cytogenetic location: 3q13.33.
Variant type: single nucleotide variant.
Coding change: c.8379C>T on transcript NM_001366282.2 (MANE Select); coding-DNA position 8379, C replaced by T.
Protein change: p.Thr2793=; no amino-acid change (threonine 2793 retained).
Molecular consequence: synonymous variant.
Genome position (GRCh38, 1-based): chr3:121,690,985, G>A on the plus strand (C>T on the coding strand, the complement: GOLGB1 is on the minus strand). VCF-style: chr3-121690985-G-A. GRCh37 (hg19) VCF-style: chr3-121409832-G-A.
Other names: c.8379C>T, p.Thr2793= (NM_001256486.2); c.8262C>T, p.Thr2754= (NM_001256487.2); c.8139C>T, p.Thr2713= (NM_001256488.2, NM_001366284.2); c.8256C>T, p.Thr2752= (NM_001366283.2); c.8244C>T, p.Thr2748= (NM_001389631.1); c.8364C>T, p.Thr2788= (NM_004487.5).
Identifiers: ClinVar variation 2654069 (VCV002654069.24), dbSNP rs116823792, ClinGen allele CA2565649.